The following is an entry in ClinVar:

ClinVar aggregate classification (germline): Uncertain significance. Review status: criteria provided, multiple submitters, no conflicts (2 of 4 stars). 2 submissions from 2 submitters: Uncertain significance (2). Last evaluated 2025-04-19.

Conditions:
Dworschak-Punetha neurodevelopmental syndrome (DWOPNED). Identifiers: MedGen C5677017, MONDO:0859260, OMIM 619955.

gnomAD v4.1: 1 of 1,613,056 alleles (0.000062%); highest among the groups gnomAD compares: Non-Finnish European, 0.000085%; no homozygotes.

Submissions (2):

Ambry Genetics
Classification: Uncertain significance. Last evaluated: 2025-04-19. Review status: criteria provided, single submitter. Criteria: Ambry Variant Classification Scheme 2023. Collection method: clinical testing. Allele origin: germline.

Clinical Genomics Laboratory, Washington University in St. Louis
Classification: Uncertain significance for Dworschak-Punetha neurodevelopmental syndrome. Last evaluated: 2024-04-08. Review status: criteria provided, single submitter. Criteria: ACMG Guidelines, 2015. Collection method: clinical testing. Allele origin: germline.
Comment: The PLXNA1 c.3757G>A (p.Gly1253Arg) variant, to our knowledge, has not been reported in the medical literature. This variant is only observed on 1/249,736 alleles in the general population (gnomAD v.2.1.1), indicating it is not a common variant. Computational predictors are uncertain as to the impact of this variant on PLXNA1 function. Due to limited information, and based on ACMG/AMP guidelines for variant interpretation (Richards S et al., PMID: 25741868), the clinical significance of this variant is uncertain at this time.

NM_032242.4(PLXNA1):c.3757G>A (p.Gly1253Arg)

Gene: PLXNA1 (plexin A1; plus strand). Cytogenetic location: 3q21.3.
Variant type: single nucleotide variant.
Coding change: c.3757G>A on transcript NM_032242.4 (MANE Select); coding-DNA position 3757, G replaced by A.
Protein change: p.Gly1253Arg; replaces glycine 1253 with arginine.
Molecular consequence: missense variant.
Genome position (GRCh38, 1-based): chr3:127,018,390, G>A. VCF-style: chr3-127018390-G-A. GRCh37 (hg19) VCF-style: chr3-126737233-G-A.
Other names: c.3757G>A (NM_032242.3); short protein forms G1253R.
Identifiers: ClinVar variation 3602592 (VCV003602592.2).
Genomic context (GRCh38, chr3:127,018,390, plus strand): 5'-CTGCAGGTGTACTCGGACAGCCTGCTGACGCTGCCTGCCATTGTGGGCATTGGCGGAGGC[G>A]GGGGTCTCCTGCTGCTGGTCATCGTGGCTGTGCTCATCGCCTACAAGCGCAAGTCACGAG-3'
Protein context (NP_115618.3, residues 1243-1263): LPAIVGIGGG[Gly1253Arg]GLLLLVIVAV